The following is an entry in ClinVar:

ClinVar aggregate classification (germline): Benign/Likely benign. Review status: criteria provided, multiple submitters, no conflicts (2 of 4 stars). 4 submissions from 4 submitters: Benign (2); Likely benign (2). Last evaluated 2024-11-25.

Allele frequency attached by ClinVar (database versions not stated): 1000 Genomes Project 0.00140; 1000 Genomes Project 30x 0.00156; TOPMed 0.00163; ESP Exome Variant Server 0.00169; gnomAD exomes 0.00216 and 0.00228; gnomAD 0.00229 and 0.00236; ExAC 0.00442.
gnomAD v4.1: 3,469 of 1,601,748 alleles (0.22%); highest among the groups gnomAD compares: South Asian, 0.39%; 11 homozygotes.

Submissions (4):

Blueprint Genetics
Classification: Likely benign. Last evaluated: 2024-11-25. Review status: criteria provided, single submitter. Criteria: ACMG Guidelines, 2015. Collection method: clinical testing. Allele origin: germline.

CeGaT Center for Human Genetics Tuebingen
Classification: Likely benign. Last evaluated: 2024-04-01. Review status: criteria provided, single submitter. Criteria: CeGaT Center For Human Genetics Tuebingen Variant Classification Criteria Version 2. Collection method: clinical testing. Allele origin: germline. Affected: yes. Observed: 6 variant alleles.
Comment: LRP1: BP4, BP7

Labcorp Genetics (formerly Invitae), Labcorp
Classification: Benign. Last evaluated: 2019-12-31. Review status: criteria provided, single submitter. Criteria: Invitae Variant Classification Sherloc (09022015). Collection method: clinical testing. Allele origin: germline.

Breakthrough Genomics
Classification: Benign. Review status: criteria provided, single submitter. Criteria: ACMG Guidelines, 2015. Collection method: not provided. Allele origin: germline. Inheritance: Autosomal recessive inheritance. Affected: yes.

NM_002332.3(LRP1):c.10728C>T (p.Ser3576=)

Gene: LRP1 (LDL receptor related protein 1; plus strand). Cytogenetic location: 12q13.3.
Variant type: single nucleotide variant.
Coding change: c.10728C>T on transcript NM_002332.3 (MANE Select); coding-DNA position 10728, C replaced by T.
Protein change: p.Ser3576=; no amino-acid change (serine 3576 retained).
Molecular consequence: synonymous variant.
Genome position (GRCh38, 1-based): chr12:57,203,197, C>T. VCF-style: chr12-57203197-C-T. GRCh37 (hg19) VCF-style: chr12-57596980-C-T.
Identifiers: ClinVar variation 790277 (VCV000790277.30), dbSNP rs34436270, ClinGen allele CA6645059.